The following is an entry in ClinVar:

NM_001849.4(COL6A2):c.2944A>G (p.Met982Val)

Gene: COL6A2 (collagen type VI alpha 2 chain; plus strand). Cytogenetic location: 21q22.3.
Variant type: single nucleotide variant.
Coding change: c.2944A>G on transcript NM_001849.4 (MANE Select); coding-DNA position 2944, A replaced by G.
Protein change: p.Met982Val; replaces methionine 982 with valine.
Molecular consequence: missense variant.
Genome position (GRCh38, 1-based): chr21:46,132,436, A>G. VCF-style: chr21-46132436-A-G. GRCh37 (hg19) VCF-style: chr21-47552350-A-G.
Other names: short protein forms M982V.
Identifiers: ClinVar variation 196120 (VCV000196120.26), dbSNP rs190664941, ClinGen allele CA202150.

ClinVar aggregate classification (germline): Benign/Likely benign. Review status: criteria provided, multiple submitters, no conflicts (2 of 4 stars). 7 submissions from 7 submitters: Benign (4); Likely benign (2). 1 of the submissions does not count toward it. Last evaluated 2026-01-21.

Conditions:
COL6A2-related disorder.
Collagen 6-related myopathy. Identifiers: MedGen CN117976, MONDO:0100225.
Bethlem myopathy 1A. Also called: Bethlem myopathy 1; Bethlem Muscular Dystrophy; MYOPATHY, BENIGN CONGENITAL, WITH CONTRACTURES. Identifiers: Orphanet 610, MedGen CN029274, MONDO:0024530, OMIM 158810.

Allele frequency attached by ClinVar (database versions not stated): gnomAD 0.00033 and 0.00045; gnomAD exomes 0.00034 and 0.00105; TOPMed 0.00054; ExAC 0.00100; 1000 Genomes Project 30x 0.00234; 1000 Genomes Project 0.00240.
gnomAD v4.1: 575 of 1,606,812 alleles (0.036%); highest among the groups gnomAD compares: East Asian, 1%; 2 homozygotes.

Submissions (7):

Labcorp Genetics (formerly Invitae), Labcorp
Classification: Benign for Bethlem myopathy 1A. Last evaluated: 2026-01-21. Review status: criteria provided, single submitter. Criteria: Invitae Variant Classification Sherloc (09022015). Collection method: clinical testing. Allele origin: germline.

Athena Diagnostics
Classification: Benign. Last evaluated: 2025-03-20. Review status: criteria provided, single submitter. Criteria: Athena Diagnostics Criteria. Collection method: clinical testing. Allele origin: unknown.
Comment: The frequency of this variant in the general population is higher than would generally be expected for pathogenic variants in this gene. Computational tools predict this amino acid change may be benign.

GeneDx
Classification: Likely benign. Last evaluated: 2020-01-06. Review status: criteria provided, single submitter. Criteria: GeneDx Variant Classification Process June 2021. Collection method: clinical testing. Allele origin: germline. Affected: yes.
Comment: This variant is associated with the following publications: (PMID: 28027573)

Illumina Laboratory Services, Illumina
Classification: Benign for Collagen VI-related myopathy. Last evaluated: 2018-01-13. Review status: criteria provided, single submitter. Criteria: ICSL Variant Classification Criteria 13 December 2019. Collection method: clinical testing. Allele origin: germline.
Comment: This variant was observed in the ICSL laboratory as part of a predisposition screen in an ostensibly healthy population. It had not been previously curated by ICSL or reported in the Human Gene Mutation Database (HGMD: prior to June 1st, 2018), and was therefore a candidate for classification through an automated scoring system. Utilizing variant allele frequency, disease prevalence and penetrance estimates, and inheritance mode, an automated score was calculated to assess if this variant is too frequent to cause the disease. Based on the score and internal cut-off values, a variant classified as benign is not then subjected to further curation. The score for this variant resulted in a classification of benign for this disease.

Eurofins Ntd Llc (ga)
Classification: Benign. Last evaluated: 2014-11-06. Review status: criteria provided, single submitter. Criteria: EGL Classification Definitions 2015. Collection method: clinical testing. Allele origin: germline. Observed: 1 variant allele, 1 heterozygote.

Breakthrough Genomics
Classification: Likely benign. Review status: criteria provided, single submitter. Criteria: ACMG Guidelines, 2015. Collection method: not provided. Allele origin: germline. Inheritance: Autosomal recessive inheritance. Affected: yes.

PreventionGenetics, part of Exact Sciences
Classification: Benign for COL6A2-related condition. Last evaluated: 2021-06-08. Review status: no assertion criteria provided. Collection method: clinical testing. Allele origin: germline. Not counted in ClinVar's aggregate classification.
Comment: This variant is classified as benign based on ACMG/AMP sequence variant interpretation guidelines (Richards et al. 2015 PMID: 25741868, with internal and published modifications).